The following is an entry in ClinVar:

Conditions:
Breast-ovarian cancer, familial, susceptibility to, 1 (BROVCA1). Also called: BRCA1 Hereditary Breast and Ovarian Cancer; OVARIAN CANCER, SUSCEPTIBILITY TO. Identifiers: Orphanet 145, MedGen C2676676, MONDO:0011450, OMIM 604370. Disease mechanism: loss of function.

Submission:

Brotman Baty Institute, University of Washington
No classification provided (evidence only). Condition: Breast-ovarian cancer, familial 1. Review status: no classification provided. Collection method: in vitro. Allele origin: not applicable. Functional consequence: functionally_normal.
ClinVar note: "not provided" was previously submitted as the classification for the variant. However, the classification appeared to be based only on an observation of functional data so it was converted to no classification on 2025-07-30.

NM_007294.4(BRCA1):c.5153-7T>G

Gene: BRCA1 (BRCA1 DNA repair associated; minus strand). Cytogenetic location: 17q21.31.
Variant type: single nucleotide variant.
Coding change: c.5153-7T>G on transcript NM_007294.4 (MANE Select); 7 bases into the intron before coding-DNA position 5153, T replaced by G.
Molecular consequence: intron variant.
Genome position (GRCh38, 1-based): chr17:43,063,380, A>C on the plus strand (T>G on the coding strand, the complement: BRCA1 is on the minus strand). VCF-style: chr17-43063380-A-C. GRCh37 (hg19) VCF-style: chr17-41215397-A-C.
Other names: c.5009-7T>G (NM_001407737.1, NM_001407746.1, NM_001407738.1 and 21 more transcripts); c.5012-7T>G (NM_001407728.1, NM_007297.4, NM_001407731.1 and 13 more transcripts); c.1700-7T>G (NM_001408461.1, NM_001408464.1, NM_001408467.1 and 7 more transcripts); c.4943-7T>G (NM_001407886.1, NM_001407881.1, NM_001407887.1 and 5 more transcripts); c.5024-7T>G (NM_001407686.1, NM_001407685.1, NM_001407688.1 and 6 more transcripts); c.1838-7T>G (NM_001408397.1, NM_001408401.1, NM_001408396.1 and 8 more transcripts); c.5147-7T>G (NM_001407632.1, NM_001407627.1, NM_001407861.1 and 14 more transcripts); c.5150-7T>G (NM_001407613.1, NM_001407618.1, NM_001407614.1 and 17 more transcripts); and 72 more.
Identifiers: ClinVar variation 867425 (VCV000867425.3), dbSNP rs2051874134, ClinGen allele CA916080053.